The following is an entry in ClinVar:

ClinVar aggregate classification (germline): Uncertain significance. Review status: criteria provided, multiple submitters, no conflicts (2 of 4 stars). 2 submissions from 2 submitters: Uncertain significance (2). Last evaluated 2026-03-23.

Conditions:
Polycystic kidney disease, adult type (PKD1). Also called: Polycystic Kidney Disease 1, Autosomal Dominant; Polycystic kidney disease 1; Polycystic kidney disease 1, severe; POLYCYSTIC KIDNEY DISEASE, ADULT, TYPE I; Polycystic Kidney, Autosomal Dominant; POLYCYSTIC KIDNEY DISEASE 1 WITH OR WITHOUT POLYCYSTIC LIVER DISEASE. Identifiers: MedGen C3149841, MONDO:0008263, OMIM 173900.
PKD1-related disorder. Also called: PKD1-related condition.

gnomAD v4.1: 76 of 1,594,162 alleles (0.0048%); highest among the groups gnomAD compares: South Asian, 0.034%; no homozygotes.

Submissions (2):

PreventionGenetics, part of Exact Sciences
Classification: Uncertain significance for PKD1-related condition. Last evaluated: 2026-03-23. Review status: criteria provided, single submitter. Criteria: ACMG Guidelines, 2015. Collection method: clinical testing. Allele origin: germline.
Comment: The PKD1 c.7391G>A variant is predicted to result in the amino acid substitution p.Arg2464His. To our knowledge, this variant has not been reported in the literature. Of note, a different substitution at the same codon, defined as c.7391G>T (p.Arg2464Leu), was reported in an individual with autosomal dominant polycystic kidney disease (ADPKD) (Supplementary Table 2, Yu et al. 2022. PubMed ID: 35778421). The c.7391G>A (p.Arg2464His) variant is reported in 0.034% of alleles in individuals of South Asian descent in gnomAD. The REVEL (rare exome variant ensemble learner) program predicts this variant is benign at a "supporting" level (Ioannidis et al. 2016. PubMed ID: 27666373; Bergquist et al. 2024. PubMed ID: 39345488). Although we suspect that this variant may be benign, at this time, the clinical significance of this variant is uncertain due to the absence of conclusive functional and genetic evidence.

Department of Pathology and Laboratory Medicine, Sinai Health System
Classification: Uncertain significance for Polycystic kidney disease, adult type. Last evaluated: 2025-02-04. Review status: criteria provided, single submitter. Criteria: ACMG Guidelines, 2015. Collection method: clinical testing. Allele origin: germline.

NM_001009944.3(PKD1):c.7391G>A (p.Arg2464His)

Gene: PKD1 (polycystin 1, transient receptor potential channel interacting; minus strand). Cytogenetic location: 16p13.3.
Variant type: single nucleotide variant.
Coding change: c.7391G>A on transcript NM_001009944.3 (MANE Select); coding-DNA position 7391, G replaced by A.
Protein change: p.Arg2464His; replaces arginine 2464 with histidine.
Molecular consequence: missense variant.
Genome position (GRCh38, 1-based): chr16:2,106,496, C>T on the plus strand (G>A on the coding strand, the complement: PKD1 is on the minus strand). VCF-style: chr16-2106496-C-T. GRCh37 (hg19) VCF-style: chr16-2156497-C-T.
Other names: c.7391G>A, p.Arg2464His (NM_000296.4); short protein forms R2464H.
Identifiers: ClinVar variation 3892033 (VCV003892033.2).